The following is an entry in ClinVar:

ClinVar aggregate classification (germline): Uncertain significance (1 of 4 stars; one submission).

gnomAD v4.1: 2 of 1,613,630 alleles (0.00012%); highest among the groups gnomAD compares: South Asian, 0.0011%; no homozygotes.

Submission:

GeneDx
Classification: Uncertain significance. Last evaluated: 2025-08-19. Review status: criteria provided, single submitter. Criteria: GeneDx Variant Classification Process June 2021. Collection method: clinical testing. Allele origin: germline.
Comment: Not observed at significant frequency in large population cohorts (gnomAD); In silico analysis supports that this missense variant has a deleterious effect on protein structure/function; Has not been previously published as pathogenic or benign to our knowledge; Variants in candidate genes are classified as variants of uncertain significance in accordance with ACMG guidelines (PMID: 25741868)

NM_032531.4(KIRREL3):c.1496G>T (p.Cys499Phe)

Gene: KIRREL3 (kirre like nephrin family adhesion molecule 3; minus strand). Cytogenetic location: 11q24.2.
Variant type: single nucleotide variant.
Coding change: c.1496G>T on transcript NM_032531.4 (MANE Select); coding-DNA position 1496, G replaced by T.
Protein change: p.Cys499Phe; replaces cysteine 499 with phenylalanine.
Molecular consequence: missense variant.
Genome position (GRCh38, 1-based): chr11:126,436,867, C>A on the plus strand (G>T on the coding strand, the complement: KIRREL3 is on the minus strand). VCF-style: chr11-126436867-C-A. GRCh37 (hg19) VCF-style: chr11-126306762-C-A.
Other names: c.1496G>T, p.Cys499Phe (NM_001161707.2, NM_001301097.2, NM_001441251.1 and 5 more transcripts); c.1604G>T, p.Cys535Phe (NM_001441252.1); c.1535G>T, p.Cys512Phe (NM_001441254.1, NM_001441256.1, NM_001441263.1); c.1454G>T, p.Cys485Phe (NM_001441255.1, NM_001441259.1, NM_001441260.1); c.1346G>T, p.Cys449Phe (NM_001441262.1); short protein forms C449F, C485F, C499F, C512F, C535F.
Identifiers: ClinVar variation 4975180 (VCV004975180.1).